The following is an entry in ClinVar:

NM_001042545.2(LTBP4):c.2090C>T (p.Thr697Ile)

Gene: LTBP4 (latent transforming growth factor beta binding protein 4; plus strand). Cytogenetic location: 19q13.2.
Variant type: single nucleotide variant.
Coding change: c.2090C>T on transcript NM_001042545.2 (MANE Select); coding-DNA position 2090, C replaced by T.
Protein change: p.Thr697Ile; replaces threonine 697 with isoleucine.
Molecular consequence: missense variant.
Genome position (GRCh38, 1-based): chr19:40,611,895, C>T. VCF-style: chr19-40611895-C-T. GRCh37 (hg19) VCF-style: chr19-41117801-C-T.
Other names: c.2291C>T, p.Thr764Ile (NM_001042544.1); c.2180C>T, p.Thr727Ile (NM_003573.2); short protein forms T727I, T697I, T764I.
Identifiers: ClinVar variation 2062994 (VCV002062994.4), dbSNP rs1392857130, ClinGen allele CA405938138.

ClinVar aggregate classification (germline): Uncertain significance (1 of 4 stars; one submission).

Submission:

Labcorp Genetics (formerly Invitae), Labcorp
Classification: Uncertain significance. Last evaluated: 2021-12-27. Review status: criteria provided, single submitter. Criteria: Invitae Variant Classification Sherloc (09022015). Collection method: clinical testing. Allele origin: germline.
Comment: This sequence change replaces threonine, which is neutral and polar, with isoleucine, which is neutral and non-polar, at codon 727 of the LTBP4 protein (p.Thr727Ile). This variant is not present in population databases (gnomAD no frequency). This variant has not been reported in the literature in individuals affected with LTBP4-related conditions. Experimental studies and prediction algorithms are not available or were not evaluated, and the functional significance of this variant is currently unknown. In summary, the available evidence is currently insufficient to determine the role of this variant in disease. Therefore, it has been classified as a Variant of Uncertain Significance.